The following is an entry in ClinVar:

NM_007186.6(CEP250):c.4151C>T (p.Ala1384Val)

Gene: CEP250 (centrosomal protein 250; plus strand). Cytogenetic location: 20q11.22.
Variant type: single nucleotide variant.
Coding change: c.4151C>T on transcript NM_007186.6 (MANE Select); coding-DNA position 4151, C replaced by T.
Protein change: p.Ala1384Val; replaces alanine 1384 with valine.
Molecular consequence: missense variant.
Genome position (GRCh38, 1-based): chr20:35,502,520, C>T. VCF-style: chr20-35502520-C-T. GRCh37 (hg19) VCF-style: chr20-34090348-C-T.
Other names: c.2255C>T, p.Ala752Val (NM_001318219.1); short protein forms A1384V, A752V.
Identifiers: ClinVar variation 1520196 (VCV001520196.6), dbSNP rs768983267, ClinGen allele CA9833672.

ClinVar aggregate classification (germline): Uncertain significance. Review status: criteria provided, multiple submitters, no conflicts (2 of 4 stars). 2 submissions from 2 submitters: Uncertain significance (2). Last evaluated 2022-09-27.

Allele frequency attached by ClinVar (database versions not stated): gnomAD exomes below 0.00001 and 0.00001; TOPMed below 0.00001; ExAC 0.00001; gnomAD 0.00001.
gnomAD v4.1: 6 of 1,614,032 alleles (0.00037%); highest among the groups gnomAD compares: Admixed American, 0.0017%; no homozygotes.

Submissions (2):

Labcorp Genetics (formerly Invitae), Labcorp
Classification: Uncertain significance. Last evaluated: 2022-09-27. Review status: criteria provided, single submitter. Criteria: Invitae Variant Classification Sherloc (09022015). Collection method: clinical testing. Allele origin: germline.
Comment: In summary, the available evidence is currently insufficient to determine the role of this variant in disease. Therefore, it has been classified as a Variant of Uncertain Significance. Algorithms developed to predict the effect of missense changes on protein structure and function output the following: SIFT: "Not Available"; PolyPhen-2: "Benign"; Align-GVGD: "Not Available". The valine amino acid residue is found in multiple mammalian species, which suggests that this missense change does not adversely affect protein function. ClinVar contains an entry for this variant (Variation ID: 1520196). This variant has not been reported in the literature in individuals affected with CEP250-related conditions. This variant is present in population databases (rs768983267, gnomAD 0.003%). This sequence change replaces alanine, which is neutral and non-polar, with valine, which is neutral and non-polar, at codon 1384 of the CEP250 protein (p.Ala1384Val).

Blueprint Genetics
Classification: Uncertain significance. Last evaluated: 2020-11-17. Review status: criteria provided, single submitter. Criteria: ACMG Guidelines, 2015. Collection method: clinical testing. Allele origin: germline.